The following is an entry in ClinVar:

ClinVar aggregate classification (germline): Conflicting classifications of pathogenicity. Review status: criteria provided, conflicting classifications (1 of 4 stars). 10 submissions from 10 submitters: Uncertain significance (5); Likely benign (4). 1 of the submissions does not count toward it. Last evaluated 2025-12-29.

Conditions:
Hereditary breast ovarian cancer syndrome. Also called: Hereditary breast and ovarian cancer syndrome; Hereditary breast and ovarian cancer syndrome (HBOC); BRCA1- and BRCA2-Associated Hereditary Breast and Ovarian Cancer; Breast and ovarian cancer; Hereditary breast and ovarian cancer; Hereditary breast and/or ovarian cancer syndrome. Identifiers: Orphanet 145, MedGen C0677776, MeSH D061325, MONDO:0003582. Disease mechanism: loss of function.
Hereditary cancer-predisposing syndrome. Also called: Hereditary Cancer Syndrome; Hereditary neoplastic syndrome; Tumor predisposition; Neoplastic Syndromes, Hereditary. Identifiers: Orphanet 140162, MedGen C0027672, MeSH D009386, MONDO:0015356.
Breast-ovarian cancer, familial, susceptibility to, 1 (BROVCA1). Also called: OVARIAN CANCER, SUSCEPTIBILITY TO; BRCA1 Hereditary Breast and Ovarian Cancer. Identifiers: Orphanet 145, MedGen C2676676, MONDO:0011450, OMIM 604370. Disease mechanism: loss of function.
BRCA1-related disorder. Also called: BRCA1-related condition.

Allele frequency attached by ClinVar (database versions not stated): gnomAD exomes below 0.00001; gnomAD 0.00001; TOPMed 0.00001.
gnomAD v4.1: 5 of 1,613,784 alleles (0.00031%); highest among the groups gnomAD compares: Non-Finnish European, 0.00042%; no homozygotes.

Submissions (10):

Center for Genomic Medicine, Rigshospitalet, Copenhagen University Hospital
Classification: Likely benign. Last evaluated: 2025-12-29. Review status: criteria provided, single submitter. Criteria: ACMG Guidelines, 2015. Collection method: clinical testing. Allele origin: germline.
Comment: Classification criteria: BP1_strong

Labcorp Genetics (formerly Invitae), Labcorp
Classification: Likely benign for Hereditary breast ovarian cancer syndrome. Last evaluated: 2025-12-06. Review status: criteria provided, single submitter. Criteria: Invitae Variant Classification Sherloc (09022015). Collection method: clinical testing. Allele origin: germline.

Quest Diagnostics Nichols Institute San Juan Capistrano
Classification: Uncertain significance. Last evaluated: 2025-09-12. Review status: criteria provided, single submitter. Criteria: Quest Diagnostics criteria. Collection method: clinical testing. Allele origin: unknown.
Comment: The BRCA1 c.3211G>A (p.Glu1071Lys) variant has been reported in the published literature to be located in a region of the BRCA1 gene that is tolerant to missense sequence changes (PMID: 31911673 (2020)). In a large scale breast cancer association study, this variant has been observed in a breast cancer case (PMID: 33471991 (2021), see also LOVD). This variant was reported as being likely benign in a multifactorial likelihood study (PMID: 31131967 (2019)). The frequency of this variant in the general population (Genome Aggregation Database) is uninformative in the assessment of its pathogenicity. Analysis of this variant using bioinformatics tools for the prediction of the effect of amino acid changes on protein structure and function yielded predictions that this variant is benign. Based on the available information, we are unable to determine the clinical significance of this variant.

Color Diagnostics, LLC DBA Color Health
Classification: Uncertain significance for Hereditary cancer-predisposing syndrome. Last evaluated: 2024-02-29. Review status: criteria provided, single submitter. Criteria: ACMG Guidelines, 2015. Collection method: clinical testing. Allele origin: germline.
Comment: This missense variant replaces glutamic acid with lysine at codon 1071 of the BRCA1 protein. Computational prediction suggests that this variant may not impact protein structure and function. To our knowledge, functional studies have not been reported for this variant. This variant has been observed in individuals affected with breast and/or ovarian cancer (PMID: 33471991; Leiden Open Variation Database DB-ID BRCA1_002509; UMD database; Color internal data). A multifactorial analysis has reported this variant with posterior probability of being pathogenic of 0.004486 based in part to likelihood ratios of pathogenicity for co-occurrence and health history of one family of 1.0331 and 0.2137, respectively (PMID: 31131967). This variant has been identified in 1/250450 chromosomes in the general population by the Genome Aggregation Database (gnomAD). The available evidence is insufficient to determine the role of this variant in disease conclusively. Therefore, this variant is classified as a Variant of Uncertain Significance.

All of Us Research Program, National Institutes of Health
Classification: Uncertain significance for Breast-ovarian cancer, familial, susceptibility to, 1. Last evaluated: 2023-04-03. Review status: criteria provided, single submitter. Criteria: ACMG Guidelines, 2015. Collection method: clinical testing. Allele origin: germline. Inheritance: Autosomal dominant inheritance. Observed: 1 variant allele, 1 heterozygote.
Comment: This missense variant replaces glutamic acid with lysine at codon 1071 of the BRCA1 protein. Computational prediction suggests that this variant may not impact protein structure and function (internally defined REVEL score threshold <= 0.5, PMID: 27666373). To our knowledge, functional studies have not been reported for this variant. This variant has been observed in individuals affected with breast and/or ovarian cancer (PMID: 33471991; Leiden Open Variation Database DB-ID BRCA1_002509; UMD database; Color internal data). A multifactorial analysis has reported this variant with posterior probability of being pathogenic of 0.004486 based in part to likelihood ratios of pathogenicity for co-occurrence and health history of one family of 1.0331 and 0.2137, respectively (PMID: 31131967). This variant has been identified in 1/250450 chromosomes in the general population by the Genome Aggregation Database (gnomAD). The available evidence is insufficient to determine the role of this variant in disease conclusively. Therefore, this variant is classified as a Variant of Uncertain Significance.

This study involves interpretation of variants in research participants for the purpose of population health screening. Participant phenotype was not available at the time of variant classification. Additional details can be found in publication PMID: 35346344, PMCID: PMC8962531

University of Washington Department of Laboratory Medicine, University of Washington
Classification: Likely benign for Hereditary cancer-predisposing syndrome. Last evaluated: 2023-03-23. Review status: criteria provided, single submitter. Criteria: Dines et al. (Genet Med. 2020). Collection method: curation. Allele origin: germline.
Comment: Missense variant in a coldspot region where missense variants are very unlikely to be pathogenic (PMID:31911673).

BRCA1 coldspot (exon 11 using historical exon numbering). Reclassification based on statistical prior probability

Women's Health and Genetics/Laboratory Corporation of America, LabCorp
Classification: Uncertain significance. Last evaluated: 2022-06-27. Review status: criteria provided, single submitter. Criteria: LabCorp Variant Classification Summary - May 2015. Collection method: clinical testing. Allele origin: germline.
Comment: Variant summary: BRCA1 c.3211G>A (p.Glu1071Lys) results in a conservative amino acid change in the encoded protein sequence. Five of five in-silico tools predict a benign effect of the variant on protein function. The variant allele was found at a frequency of 4e-06 in 250450 control chromosomes (gnomAD). The available data on variant occurrences in the general population are insufficient to allow any conclusion about variant significance. c.3211G>A has been reported in a large study, evaluating breast cancer cases and controls in the Breast Cancer Association Consortium (BCAC), in 1/60466 cases, and 0/53461 controls (Dorling_2021 through LOVD). This report does not provide unequivocal conclusions about association of the variant with Hereditary Breast and Ovarian Cancer Syndrome. To our knowledge, no experimental evidence demonstrating an impact on protein function has been reported. A multifactorial likelihood analysis predicted this variant to be Likely Benign (Parsons_2019). Four clinical diagnostic laboratories have submitted clinical-significance assessments for this variant to ClinVar after 2014 and classified the variant as VUS (n=2) and likely benign (n=2). Based on the evidence outlined above, the variant was classified as VUS-possibly benign.

GeneDx
Classification: Uncertain significance. Last evaluated: 2022-04-29. Review status: criteria provided, single submitter. Criteria: GeneDx Variant Classification Process June 2021. Collection method: clinical testing. Allele origin: germline. Affected: yes.
Comment: In silico analysis supports that this missense variant has a deleterious effect on protein structure/function; Not observed at a significant frequency in large population cohorts (gnomAD); Observed in an individual with developmental disorders undergoing exome sequencing (Turner et al., 2019); Also known as 3330G>A; This variant is associated with the following publications: (PMID: 25348012, 31785789, 15343273, 31131967)

Ambry Genetics
Classification: Likely benign for Hereditary cancer-predisposing syndrome. Last evaluated: 2020-08-19. Review status: criteria provided, single submitter. Criteria: Ambry Variant Classification Scheme 2023. Collection method: clinical testing. Allele origin: germline.

PreventionGenetics, part of Exact Sciences
Classification: Uncertain significance for BRCA1-related condition. Last evaluated: 2023-12-27. Review status: no assertion criteria provided. Collection method: clinical testing. Allele origin: germline. Not counted in ClinVar's aggregate classification.
Comment: The BRCA1 c.3211G>A variant is predicted to result in the amino acid substitution p.Glu1071Lys. This variant has been reported in an individual with breast cancer (Table S14, Breast Cancer Association Consortium et al. 2021. PubMed ID: 33471991). This variant occurs within a region of the BRCA1 gene that is predicted to be tolerant to missense variation (Table 2, Dines et al. 2020. PubMed ID: 31911673). This variant is reported in 0.00089% of alleles in individuals of European (non-Finnish) descent in gnomAD. This variant has been reported in ClinVar as uncertain and likely benign by outside laboratories. Although we suspect that this variant could be benign, at this time, the clinical significance of this variant is uncertain due to the absence of conclusive functional and genetic evidence.

Literature cited by the submitters: PubMed 31785789 (cited by Quest Diagnostics Nichols Institute San Juan Capistrano and Women's Health and Genetics/Laboratory Corporation of America, LabCorp); PubMed 33057194 (cited by Quest Diagnostics Nichols Institute San Juan Capistrano); PubMed 35982159 (cited by Quest Diagnostics Nichols Institute San Juan Capistrano); PubMed 31911673 (cited by Quest Diagnostics Nichols Institute San Juan Capistrano); PubMed 33471991 (cited by 4 submitters); PubMed 31294896 (cited by Quest Diagnostics Nichols Institute San Juan Capistrano and Women's Health and Genetics/Laboratory Corporation of America, LabCorp); PubMed 31131967 (cited by 4 submitters); PubMed 31112341 (cited by Quest Diagnostics Nichols Institute San Juan Capistrano and Women's Health and Genetics/Laboratory Corporation of America, LabCorp).

NM_007294.4(BRCA1):c.3211G>A (p.Glu1071Lys)

Gene: BRCA1 (BRCA1 DNA repair associated; minus strand). Cytogenetic location: 17q21.31.
Variant type: single nucleotide variant.
Coding change: c.3211G>A on transcript NM_007294.4 (MANE Select); coding-DNA position 3211, G replaced by A.
Protein change: p.Glu1071Lys; replaces glutamic acid 1071 with lysine.
Molecular consequence: missense variant. On other transcripts: intron variant (137).
Genome position (GRCh38, 1-based): chr17:43,092,320, C>T on the plus strand (G>A on the coding strand, the complement: BRCA1 is on the minus strand). VCF-style: chr17-43092320-C-T. GRCh37 (hg19) VCF-style: chr17-41244337-C-T.
Other names: c.3001G>A, p.Glu1001Lys (NM_001407881.1, NM_001407882.1, NM_001407884.1 and 13 more transcripts); c.2998G>A, p.Glu1000Lys (NM_001407894.1, NM_001407895.1, NM_001407896.1 and 9 more transcripts); c.3088G>A, p.Glu1030Lys (NM_001407919.1, NM_001407937.1, NM_001407938.1 and 19 more transcripts); c.2947G>A, p.Glu983Lys (NM_001407920.1, NM_001407921.1, NM_001407922.1 and 9 more transcripts); c.2944G>A, p.Glu982Lys (NM_001407930.1, NM_001407931.1, NM_001407932.1 and 2 more transcripts); c.3085G>A, p.Glu1029Lys (NM_001407940.1, NM_001407941.1, NM_001407649.1 and 11 more transcripts); c.3070G>A, p.Glu1024Lys (NM_001407942.1, NM_001407944.1, NM_001407945.1 and 29 more transcripts); c.3067G>A, p.Glu1023Lys (NM_001407943.1, NM_001407964.1, NM_001407740.1 and 20 more transcripts); and 41 more; short protein forms E1071K, E1024K, E1070K, E960K, E982K, E1023K, E1030K, E1068K.
Identifiers: ClinVar variation 184828 (VCV000184828.34), dbSNP rs41293445, ClinGen allele CA002083.